The following is an entry in ClinVar:

NM_001372044.2(SHANK3):c.3265_3270dup (p.Ala1090_Lys1091insProAla)

Gene: SHANK3 (SH3 and multiple ankyrin repeat domains 3; plus strand). Cytogenetic location: 22q13.33.
Variant type: Duplication.
Coding change: c.3265_3270dup on transcript NM_001372044.2 (MANE Select); coding-DNA positions 3265 to 3270, 6 bases duplicated (CCGGCC; older notation c.3265_3270dupCCGGCC).
Protein change: p.Ala1090_Lys1091insProAla.
Genome position (GRCh38, 1-based): chr22:50,720,873-50,720,878, CCGGCC duplicated; duplicating any 6 consecutive bases within chr22:50,720,872-50,720,878 gives the same sequence; the c. name uses the placement nearest the transcript's 3' end. VCF-style (leftmost placement, unchanged base first): chr22-50720871-G-GCCCGGC. GRCh37 (hg19) VCF-style: chr22-51159299-G-GCCCGGC.
Other names: c.3040_3045dup (NM_033517.1).
Identifiers: ClinVar variation 3901527 (VCV003901527.1).

ClinVar aggregate classification (germline): Likely benign (1 of 4 stars; one submission).

Submission:

GeneDx
Classification: Likely benign. Last evaluated: 2024-12-09. Review status: criteria provided, single submitter. Criteria: GeneDx Variant Classification Process June 2021. Collection method: clinical testing. Allele origin: germline. Affected: yes.
Comment: See Variant Classification Assertion Criteria.